The following is an entry in ClinVar:

NC_000002.11:g.(?_179296824)_(179502166_?)dup

Genes: PRKRA (protein activator of interferon induced protein kinase EIF2AK2; minus strand), TTN (titin; minus strand), FKBP7 (FKBP prolyl isomerase 7; minus strand), PJVK (pejvakin; plus strand), PLEKHA3 (pleckstrin homology domain containing A3; plus strand). Cytogenetic location: 2q31.2.
Variant type: Duplication.
Identifiers: ClinVar variation 3247289 (VCV003247289.1).

ClinVar aggregate classification (germline): Likely pathogenic (1 of 4 stars; one submission).

Conditions:
Autosomal recessive limb-girdle muscular dystrophy type 2J (LGMDR10). Also called: Limb-girdle muscular dystrophy, type 2J; MUSCULAR DYSTROPHY, LIMB-GIRDLE, AUTOSOMAL RECESSIVE 10. Identifiers: Orphanet 140922, MedGen C1837342, MONDO:0012127, OMIM 608807.
Dilated cardiomyopathy 1G (CMD1G). Identifiers: Orphanet 154, MedGen C1858763, MONDO:0011400, OMIM 604145.

Submission:

Labcorp Genetics (formerly Invitae), Labcorp
Classification: Likely pathogenic for Dilated cardiomyopathy 1G; Autosomal recessive limb-girdle muscular dystrophy type 2J. Last evaluated: 2024-01-10. Review status: criteria provided, single submitter. Criteria: Invitae Variant Classification Sherloc (09022015). Collection method: clinical testing. Allele origin: unknown.
Comment: This variant results in a copy number gain of the genomic region encompassing exon(s) 224-363 of the TTN gene. While the exact position of this variant cannot be determined from the data, sub-genic copy number gains are generally in tandem (PMID: 25640679). This variant is predicted to be out-of-frame. While this is not anticipated to result in nonsense mediated decay, it is expected to create a truncated TTN protein. This variant has not been reported in the literature in individuals affected with TTN-related conditions. This variant disrupts the I, A, and M bands of TTN (PMID: 25589632). Truncating variants in the A band are significantly overrepresented in patients affected with dilated cardiomyopathy (PMID: 25589632). Truncating variants in this region have also been reported in individuals affected with autosomal recessive centronuclear myopathy (PMID: 23975875). In summary, the currently available evidence indicates that the variant is pathogenic, but additional data are needed to prove that conclusively. Therefore, this variant has been classified as Likely Pathogenic.

Literature cited by the submitters: PubMed 25640679; PubMed 25589632; PubMed 23975875.